The following is an entry in ClinVar:

NM_001377.3(DYNC2H1):c.2342A>G (p.Tyr781Cys)

Gene: DYNC2H1 (dynein cytoplasmic 2 heavy chain 1; plus strand). Cytogenetic location: 11q22.3.
Variant type: single nucleotide variant.
Coding change: c.2342A>G on transcript NM_001377.3 (MANE Select); coding-DNA position 2342, A replaced by G.
Protein change: p.Tyr781Cys; replaces tyrosine 781 with cysteine.
Molecular consequence: missense variant.
Genome position (GRCh38, 1-based): chr11:103,135,631, A>G. VCF-style: chr11-103135631-A-G. GRCh37 (hg19) VCF-style: chr11-103006360-A-G.
Other names: c.2342A>G, p.Tyr781Cys (NM_001080463.2); short protein forms Y781C.
Identifiers: ClinVar variation 1045020 (VCV001045020.6), dbSNP rs370392119, ClinGen allele CA6253006.

ClinVar aggregate classification (germline): Uncertain significance (1 of 4 stars; one submission).

Conditions:
Jeune thoracic dystrophy. Also called: Jeune syndrome; Infantile thoracic dystrophy; Thoracic pelvic phalangeal dystrophy; Jeune's syndrome; Chondroectodermal dysplasia-like syndrome; Short-rib thoracic dysplasia. Identifiers: Orphanet 474, MedGen C0265275, MONDO:0018770.

Allele frequency attached by ClinVar (database versions not stated): gnomAD exomes 0.00003 and 0.00006; TOPMed 0.00003; ExAC 0.00005; gnomAD 0.00009 and 0.00010; ESP Exome Variant Server 0.00017.
gnomAD v4.1: 98 of 1,611,590 alleles (0.0061%); highest among the groups gnomAD compares: Admixed American, 0.01%; no homozygotes.

Submission:

Labcorp Genetics (formerly Invitae), Labcorp
Classification: Uncertain significance for Jeune thoracic dystrophy. Last evaluated: 2022-07-12. Review status: criteria provided, single submitter. Criteria: Invitae Variant Classification Sherloc (09022015). Collection method: clinical testing. Allele origin: germline.
Comment: This sequence change replaces tyrosine, which is neutral and polar, with cysteine, which is neutral and slightly polar, at codon 781 of the DYNC2H1 protein (p.Tyr781Cys). This variant is present in population databases (rs370392119, gnomAD 0.009%). This variant has not been reported in the literature in individuals affected with DYNC2H1-related conditions. ClinVar contains an entry for this variant (Variation ID: 1045020). Advanced modeling of protein sequence and biophysical properties (such as structural, functional, and spatial information, amino acid conservation, physicochemical variation, residue mobility, and thermodynamic stability) performed at Invitae indicates that this missense variant is not expected to disrupt DYNC2H1 protein function. In summary, the available evidence is currently insufficient to determine the role of this variant in disease. Therefore, it has been classified as a Variant of Uncertain Significance.